The following is an entry in ClinVar:

ClinVar aggregate classification (germline): Likely benign (1 of 4 stars; one submission).

gnomAD v4.1: 170 of 1,613,692 alleles (0.011%); highest among the groups gnomAD compares: Middle Eastern, 0.016%; no homozygotes.

Submission:

CeGaT Center for Human Genetics Tuebingen
Classification: Likely benign. Last evaluated: 2025-06-01. Review status: criteria provided, single submitter. Criteria: CeGaT Center For Human Genetics Tuebingen Variant Classification Criteria Version 2. Collection method: clinical testing. Allele origin: germline. Affected: yes. Observed: 2 variant alleles.
Comment: PMPCB: BP4, BP7

NM_004279.3(PMPCB):c.157C>T (p.Leu53=)

Gene: PMPCB (peptidase, mitochondrial processing subunit beta; plus strand). Cytogenetic location: 7q22.1.
Variant type: single nucleotide variant.
Coding change: c.157C>T on transcript NM_004279.3 (MANE Select); coding-DNA position 157, C replaced by T.
Protein change: p.Leu53=; no amino-acid change (leucine 53 retained).
Molecular consequence: synonymous variant.
Genome position (GRCh38, 1-based): chr7:103,298,625, C>T. VCF-style: chr7-103298625-C-T. GRCh37 (hg19) VCF-style: chr7-102939072-C-T.
Identifiers: ClinVar variation 3778047 (VCV003778047.7).